The following is an entry in ClinVar:

NM_015030.2(FRYL):c.1892C>T (p.Pro631Leu)

Gene: FRYL (FRY like transcription coactivator; minus strand). Cytogenetic location: 4p11.
Variant type: single nucleotide variant.
Coding change: c.1892C>T on transcript NM_015030.2 (MANE Select); coding-DNA position 1892, C replaced by T.
Protein change: p.Pro631Leu; replaces proline 631 with leucine.
Molecular consequence: missense variant.
Genome position (GRCh38, 1-based): chr4:48,582,591, G>A on the plus strand (C>T on the coding strand, the complement: FRYL is on the minus strand). VCF-style: chr4-48582591-G-A. GRCh37 (hg19) VCF-style: chr4-48584608-G-A.
Other names: short protein forms P631L.
Identifiers: ClinVar variation 3906295 (VCV003906295.1).

ClinVar aggregate classification (germline): Uncertain significance (1 of 4 stars; one submission).

gnomAD v4.1: 1 of 1,613,748 alleles (0.000062%); highest among the groups gnomAD compares: Non-Finnish European, 0.000085%; no homozygotes.

Submission:

GeneDx
Classification: Uncertain significance. Last evaluated: 2024-12-18. Review status: criteria provided, single submitter. Criteria: GeneDx Variant Classification Process June 2021. Collection method: clinical testing. Allele origin: germline. Affected: yes.
Comment: Not observed at significant frequency in large population cohorts (gnomAD); In silico analysis supports that this missense variant has a deleterious effect on protein structure/function; Has not been previously published as pathogenic or benign to our knowledge